The following is an entry in ClinVar:

NM_000168.6(GLI3):c.4141del (p.Arg1381fs)

Gene: GLI3 (GLI family zinc finger 3; minus strand). Cytogenetic location: 7p14.1.
Variant type: Deletion.
Coding change: c.4141del on transcript NM_000168.6 (MANE Select); coding-DNA position 4141, one base deleted (A; older notation c.4141delA).
Protein change: p.Arg1381fs; shifts the reading frame from arginine 1381.
Molecular consequence: frameshift variant.
Genome position (GRCh38, 1-based): chr7:41,964,932, T deleted on the plus strand (A on the coding strand, the reverse complement: GLI3 is on the minus strand). VCF-style (leftmost placement, unchanged base first): chr7-41964931-CT-C. GRCh37 (hg19) VCF-style: chr7-42004529-CT-C.
Other names: short protein forms R1381fs.
Identifiers: ClinVar variation 3340338 (VCV003340338.1).

ClinVar aggregate classification (germline): Pathogenic (1 of 4 stars; one submission).

Submission:

GeneDx
Classification: Pathogenic. Last evaluated: 2023-07-09. Review status: criteria provided, single submitter. Criteria: GeneDx Variant Classification Process June 2021. Collection method: clinical testing. Allele origin: germline. Affected: yes.
Comment: Frameshift variant predicted to result in protein truncation, as the last 200 amino acids are replaced with 37 different amino acids, and other loss-of-function variants have been reported downstream in HGMD; Not observed at significant frequency in large population cohorts (gnomAD); This variant is associated with the following publications: (PMID: 25869409, 24667698)